The following is an entry in ClinVar:

NM_025215.6(PUS1):c.187G>T (p.Glu63Ter)

Gene: PUS1 (pseudouridine synthase 1; plus strand). Cytogenetic location: 12q24.33.
Variant type: single nucleotide variant.
Coding change: c.187G>T on transcript NM_025215.6 (MANE Select); coding-DNA position 187, G replaced by T.
Protein change: p.Glu63Ter; replaces glutamic acid 63 with a stop codon.
Molecular consequence: nonsense.
Genome position (GRCh38, 1-based): chr12:131,930,019, G>T. VCF-style: chr12-131930019-G-T. GRCh37 (hg19) VCF-style: chr12-132414564-G-T.
Other names: c.103G>T, p.Glu35Ter (NM_001002019.3, NM_001002020.3); short protein forms E35*, E63*.
Identifiers: ClinVar variation 4816253 (VCV004816253.1).

ClinVar aggregate classification (germline): Likely pathogenic (1 of 4 stars; one submission).

Conditions:
Myopathy, lactic acidosis, and sideroblastic anemia. Also called: Mitochondrial myopathy and sideroblastic anemia; Myopathy with lactic acidosis and sideroblastic anemia. Identifiers: Orphanet 2598, MedGen C1838103, MONDO:0000863.

Submission:

Natera, Inc.
Classification: Likely pathogenic for Mitochondrial myopathy and sideroblastic anemia. Last evaluated: 2024-07-20. Review status: criteria provided, single submitter. Criteria: Natera Variant Classification Schema (03/2026). Collection method: clinical testing. Allele origin: germline.
Comment: The c.187G>T variant in PUS1 is a nonsense variant predicted to introduce a stop codon at amino acid 63. This variant is expected to result in nonsense mediated decay, truncation, or a dysfunctional protein product. This variant is rare in the general population with a frequency below the threshold expected for the associated phenotype(s). Given the available evidence, this variant is classified as Likely Pathogenic.